The following is an entry in ClinVar:

ClinVar aggregate classification (germline): Uncertain significance (1 of 4 stars; one submission).

Allele frequency attached by ClinVar (database versions not stated): TOPMed below 0.00001; ExAC 0.00001; gnomAD exomes 0.00001; gnomAD 0.00002; 1000 Genomes Project 30x 0.00016; 1000 Genomes Project 0.00020.
gnomAD v4.1: 11 of 1,614,136 alleles (0.00068%); highest among the groups gnomAD compares: African/African-American, 0.0027%; no homozygotes.

Submission:

Labcorp Genetics (formerly Invitae), Labcorp
Classification: Uncertain significance. Last evaluated: 2023-02-20. Review status: criteria provided, single submitter. Criteria: Invitae Variant Classification Sherloc (09022015). Collection method: clinical testing. Allele origin: germline.
Comment: In summary, the available evidence is currently insufficient to determine the role of this variant in disease. Therefore, it has been classified as a Variant of Uncertain Significance. An algorithm developed to predict the effect of missense changes on protein structure and function (PolyPhen-2) suggests that this variant is likely to be tolerated. This variant has not been reported in the literature in individuals affected with GRM1-related conditions. This variant is present in population databases (rs41285859, gnomAD 0.0009%). This sequence change replaces alanine, which is neutral and non-polar, with aspartic acid, which is acidic and polar, at codon 441 of the GRM1 protein (p.Ala441Asp).

NM_001278064.2(GRM1):c.1322C>A (p.Ala441Asp)

Gene: GRM1 (glutamate metabotropic receptor 1; plus strand). Cytogenetic location: 6q24.3.
Variant type: single nucleotide variant.
Coding change: c.1322C>A on transcript NM_001278064.2 (MANE Select); coding-DNA position 1322, C replaced by A.
Protein change: p.Ala441Asp; replaces alanine 441 with aspartic acid.
Molecular consequence: missense variant.
Genome position (GRCh38, 1-based): chr6:146,352,385, C>A. VCF-style: chr6-146352385-C-A. GRCh37 (hg19) VCF-style: chr6-146673521-C-A.
Other names: c.1322C>A, p.Ala441Asp (NM_001278065.2, NM_001278066.1, NM_001278067.1); short protein forms A441D.
Identifiers: ClinVar variation 2963825 (VCV002963825.3), dbSNP rs41285859, ClinGen allele CA4037267.